The following is an entry in ClinVar:

NM_005876.5(SPEG):c.7306G>A (p.Gly2436Arg)

Genes: ASIC4-AS1 (ASIC4 antisense RNA 1; minus strand), SPEG (striated muscle enriched protein kinase; plus strand). Cytogenetic location: 2q35.
Variant type: single nucleotide variant.
Coding change: c.7306G>A on transcript NM_005876.5 (MANE Select); coding-DNA position 7306, G replaced by A.
Protein change: p.Gly2436Arg; replaces glycine 2436 with arginine.
Molecular consequence: missense variant.
Genome position (GRCh38, 1-based): chr2:219,484,769, G>A. VCF-style: chr2-219484769-G-A. GRCh37 (hg19) VCF-style: chr2-220349491-G-A.
Other names: short protein forms G2436R.
Identifiers: ClinVar variation 1467156 (VCV001467156.8), dbSNP rs2125561566, ClinGen allele CA350701828.

ClinVar aggregate classification (germline): Uncertain significance (1 of 4 stars; one submission).

Submission:

Labcorp Genetics (formerly Invitae), Labcorp
Classification: Uncertain significance. Last evaluated: 2022-07-05. Review status: criteria provided, single submitter. Criteria: Invitae Variant Classification Sherloc (09022015). Collection method: clinical testing. Allele origin: germline.
Comment: In summary, the available evidence is currently insufficient to determine the role of this variant in disease. Therefore, it has been classified as a Variant of Uncertain Significance. Algorithms developed to predict the effect of missense changes on protein structure and function are either unavailable or do not agree on the potential impact of this missense change (SIFT: "Tolerated"; PolyPhen-2: "Probably Damaging"; Align-GVGD: "Class C0"). ClinVar contains an entry for this variant (Variation ID: 1467156). This variant has not been reported in the literature in individuals affected with SPEG-related conditions. This variant is not present in population databases (gnomAD no frequency). This sequence change replaces glycine, which is neutral and non-polar, with arginine, which is basic and polar, at codon 2436 of the SPEG protein (p.Gly2436Arg).